The following is an entry in ClinVar:

ClinVar aggregate classification (germline): Uncertain significance (1 of 4 stars; one submission).

gnomAD v4.1: 2 of 1,613,612 alleles (0.00012%); highest among the groups gnomAD compares: East Asian, 0.0022%; no homozygotes.

Submission:

GeneDx
Classification: Uncertain significance. Last evaluated: 2022-05-31. Review status: criteria provided, single submitter. Criteria: GeneDx Variant Classification Process June 2021. Collection method: clinical testing. Allele origin: germline. Affected: yes.
Comment: Not observed at significant frequency in large population cohorts (gnomAD); In silico analysis supports that this missense variant does not alter protein structure/function; Has not been previously published as pathogenic or benign to our knowledge; In-silico analysis is inconclusive as to whether the variant alters gene splicing. In the absence of RNA/functional studies, the actual effect of this sequence change is unknown.

NM_004519.4(KCNQ3):c.1216G>T (p.Val406Phe)

Gene: KCNQ3 (potassium voltage-gated channel subfamily Q member 3; minus strand). Cytogenetic location: 8q24.22.
Variant type: single nucleotide variant.
Coding change: c.1216G>T on transcript NM_004519.4 (MANE Select); coding-DNA position 1216, G replaced by T.
Protein change: p.Val406Phe; replaces valine 406 with phenylalanine.
Molecular consequence: missense variant.
Genome position (GRCh38, 1-based): chr8:132,170,353, C>A on the plus strand (G>T on the coding strand, the complement: KCNQ3 is on the minus strand). VCF-style: chr8-132170353-C-A. GRCh37 (hg19) VCF-style: chr8-133182600-C-A.
Other names: c.856G>T, p.Val286Phe (NM_001204824.2); short protein forms V286F, V406F.
Identifiers: ClinVar variation 1802067 (VCV001802067.1), dbSNP rs144474368, ClinGen allele CA372289627.